The following is an entry in ClinVar:

NM_006363.6(SEC23B):c.1109+1G>A

Gene: SEC23B (SEC23 homolog B, COPII component; plus strand). Cytogenetic location: 20p11.23.
Variant type: single nucleotide variant.
Coding change: c.1109+1G>A on transcript NM_006363.6 (MANE Select); the canonical splice donor site of the intron after coding-DNA position 1109, G replaced by A.
Molecular consequence: splice donor variant.
Genome position (GRCh38, 1-based): chr20:18,527,612, G>A. VCF-style: chr20-18527612-G-A. GRCh37 (hg19) VCF-style: chr20-18508256-G-A.
Other names: c.1109+1G>A (NM_032986.5, NM_001172745.3, NM_032985.6); c.1055+1G>A (NM_001172746.3).
Identifiers: ClinVar variation 4851994 (VCV004851994.1).
Genomic context (GRCh38, chr20:18,527,612, plus strand): 5'-TGCTTGTGCCCTTGATCAAACTGGACTTTTGGAGATGAAGTGTTGTGCAAATCTTACTGG[G>A]TATGTTGACAGTGAAAACCTGGGCAGAGTGACAGTGTTATTTTAAGGAAAGAGAAATTAG-3'

ClinVar aggregate classification (germline): Pathogenic (1 of 4 stars; one submission).

gnomAD v4.1: 10 of 1,553,992 alleles (0.00064%); highest among the groups gnomAD compares: Non-Finnish European, 0.00089%; no homozygotes.

Submission:

Dasa
Classification: Pathogenic. Last evaluated: 2024-09-16. Review status: criteria provided, single submitter. Criteria: DASA Assertion Criteria. Collection method: clinical testing. Allele origin: germline.
Comment: NM_006363.6(SEC23B):c.1109+1G>A affects a canonical splice site and is predicted to disrupt normal RNA splicing, leading to loss of normal protein function. Loss-of-function is an established mechanism of disease for this gene. This variant has been reported in individuals with related phenotype (PMID: 20941788). The variant is present at low frequency in population datasets. Based on the available data, this variant is classified as pathogenic.

Literature cited by the submitters: PubMed 20941788.